The following is an entry in ClinVar:

NM_198525.3(KIF7):c.2084C>T (p.Pro695Leu)

Gene: KIF7 (kinesin family member 7; minus strand). Cytogenetic location: 15q26.1.
Variant type: single nucleotide variant.
Coding change: c.2084C>T on transcript NM_198525.3 (MANE Select); coding-DNA position 2084, C replaced by T.
Protein change: p.Pro695Leu; replaces proline 695 with leucine.
Molecular consequence: missense variant.
Genome position (GRCh38, 1-based): chr15:89,645,120, G>A on the plus strand (C>T on the coding strand, the complement: KIF7 is on the minus strand). VCF-style: chr15-89645120-G-A. GRCh37 (hg19) VCF-style: chr15-90188351-G-A.
Other names: c.2084C>T (NM_198525.2); short protein forms P695L.
Identifiers: ClinVar variation 1434727 (VCV001434727.7), dbSNP rs571373108, ClinGen allele CA7728332.

ClinVar aggregate classification (germline): Uncertain significance. Review status: criteria provided, multiple submitters, no conflicts (2 of 4 stars). 2 submissions from 2 submitters: Uncertain significance (2). Last evaluated 2025-06-12.

Conditions:
Inborn genetic diseases. Identifiers: MedGen C0950123, MeSH D030342.
Acrocallosal syndrome (ACLS). Also called: Schinzel syndrome 1; Absence of corpus callosum with unusual facial appearance, mental deficiency, duplication of the halluces and polydactyly; HALLUX DUPLICATION, POSTAXIAL POLYDACTYLY, AND ABSENCE OF CORPUS CALLOSUM. Identifiers: Orphanet 36, MedGen C0796147, MONDO:0008708, OMIM 200990.

Allele frequency attached by ClinVar (database versions not stated): gnomAD exomes 0.00001 and 0.00004; ExAC 0.00006; gnomAD 0.00013; TOPMed 0.00014; 1000 Genomes Project 0.00020; 1000 Genomes Project 30x 0.00031.
gnomAD v4.1: 34 of 1,605,326 alleles (0.0021%); highest among the groups gnomAD compares: African/African-American, 0.037%; no homozygotes.

Submissions (2):

Labcorp Genetics (formerly Invitae), Labcorp
Classification: Uncertain significance for Acrocallosal syndrome. Last evaluated: 2025-06-12. Review status: criteria provided, single submitter. Criteria: Invitae Variant Classification Sherloc (09022015). Collection method: clinical testing. Allele origin: germline.
Comment: This sequence change replaces proline, which is neutral and non-polar, with leucine, which is neutral and non-polar, at codon 695 of the KIF7 protein (p.Pro695Leu). This variant is present in population databases (rs571373108, gnomAD 0.05%). This variant has not been reported in the literature in individuals affected with KIF7-related conditions. ClinVar contains an entry for this variant (Variation ID: 1434727). Invitae Evidence Modeling of protein sequence and biophysical properties (such as structural, functional, and spatial information, amino acid conservation, physicochemical variation, residue mobility, and thermodynamic stability) indicates that this missense variant is not expected to disrupt KIF7 protein function with a negative predictive value of 80%. In summary, the available evidence is currently insufficient to determine the role of this variant in disease. Therefore, it has been classified as a Variant of Uncertain Significance.

Ambry Genetics
Classification: Uncertain significance for Inborn genetic diseases. Last evaluated: 2025-04-01. Review status: criteria provided, single submitter. Criteria: Ambry Variant Classification Scheme 2023. Collection method: clinical testing. Allele origin: germline.